The following is an entry in ClinVar:

NM_194277.3(FRMD7):c.437G>A (p.Arg146Gln)

Gene: FRMD7 (FERM domain containing 7; minus strand). Cytogenetic location: Xq26.2.
Variant type: single nucleotide variant.
Coding change: c.437G>A on transcript NM_194277.3 (MANE Select); coding-DNA position 437, G replaced by A.
Protein change: p.Arg146Gln; replaces arginine 146 with glutamine.
Molecular consequence: missense variant.
Genome position (GRCh38, 1-based): chrX:132,085,980, C>T on the plus strand (G>A on the coding strand, the complement: FRMD7 is on the minus strand). VCF-style: chrX-132085980-C-T. GRCh37 (hg19) VCF-style: chrX-131220008-C-T.
Other names: c.392G>A, p.Arg131Gln (NM_001306193.2); short protein forms R146Q, R131Q.
Identifiers: ClinVar variation 2015060 (VCV002015060.5), dbSNP rs1383433263, ClinGen allele CA414681412.

ClinVar aggregate classification (germline): Conflicting classifications of pathogenicity. Review status: criteria provided, conflicting classifications (1 of 4 stars). 2 submissions from 2 submitters: Uncertain significance (1); Likely benign (1). Last evaluated 2026-06-09.

Conditions:
Nystagmus 1, congenital, X-linked. Also called: FRMD7-Related Infantile Nystagmus; NYSTAGMUS 1, INFANTILE, X-LINKED; NYSTAGMUS, CONGENITAL MOTOR, 1; NYSTAGMUS, INFANTILE IDIOPATHIC; NYSTAGMUS, INFANTILE PERIODIC ALTERNATING, X-LINKED. Identifiers: MedGen C1839580, MONDO:0010693, OMIM 310700.

Allele frequency attached by ClinVar (database versions not stated): TOPMed 0.00001.
gnomAD v4.1: 3 of 1,204,506 alleles (0.00025%); highest among the groups gnomAD compares: African/African-American, 0.0035%; no homozygotes.

Submissions (2):

Centre for Medical Genetics,  Mumbai
Classification: Likely benign for Nystagmus 1, congenital, X-linked. Last evaluated: 2026-06-09. Review status: criteria provided, single submitter. Criteria: ACMG Guidelines, 2015. Collection method: provider interpretation. Allele origin: germline. Inheritance: X-linked inheritance. Affected: no. Observed: 1 variant allele, 1 homozygote.
Comment: The variant satisfies PM2 criteria - extremely low frequency in gnomAD population databases. The variant satisfies PM5 criteria - different amino acid change as a known pathogenic in a non-repeat region or a stop-loss variant. The variant satisfies BP4 criteria - for a missense or a splice region variant, computational prediction tools unanimously support a benign effect on the gene. However, the variant satisfies BS2 criteria - present in homozygous state in an individual that clinically does not have Nystagmus.

Labcorp Genetics (formerly Invitae), Labcorp
Classification: Uncertain significance. Last evaluated: 2025-03-31. Review status: criteria provided, single submitter. Criteria: Invitae Variant Classification Sherloc (09022015). Collection method: clinical testing. Allele origin: germline.
Comment: This sequence change replaces arginine, which is basic and polar, with glutamine, which is neutral and polar, at codon 146 of the FRMD7 protein (p.Arg146Gln). This variant is not present in population databases (gnomAD no frequency). This variant has not been reported in the literature in individuals affected with FRMD7-related conditions. ClinVar contains an entry for this variant (Variation ID: 2015060). An algorithm developed to predict the effect of missense changes on protein structure and function outputs the following: PolyPhen-2: "Benign". The glutamine amino acid residue is found in multiple mammalian species, which suggests that this missense change does not adversely affect protein function. In summary, the available evidence is currently insufficient to determine the role of this variant in disease. Therefore, it has been classified as a Variant of Uncertain Significance.

Literature cited by the submitters: PubMed 17013395 (cited by Centre for Medical Genetics,  Mumbai).